The following is an entry in ClinVar:

NM_183075.3(CYP2U1):c.1168C>T (p.Arg390Ter)

Gene: CYP2U1 (cytochrome P450 family 2 subfamily U member 1; plus strand). Cytogenetic location: 4q25.
Variant type: single nucleotide variant.
Coding change: c.1168C>T on transcript NM_183075.3 (MANE Select); coding-DNA position 1168, C replaced by T.
Protein change: p.Arg390Ter; replaces arginine 390 with a stop codon.
Molecular consequence: nonsense.
Genome position (GRCh38, 1-based): chr4:107,947,417, C>T. VCF-style: chr4-107947417-C-T. GRCh37 (hg19) VCF-style: chr4-108868573-C-T.
Other names: p.Arg390Ter; short protein forms R390*.
Identifiers: ClinVar variation 562229 (VCV000562229.12), dbSNP rs772400670, ClinGen allele CA3037141.

ClinVar aggregate classification (germline): Pathogenic/Likely pathogenic. Review status: criteria provided, multiple submitters, no conflicts (2 of 4 stars). 6 submissions from 6 submitters: Pathogenic (3); Likely pathogenic (1). 2 of the submissions do not count toward it. Last evaluated 2025-09-10.

Conditions:
Spastic paraplegia. Identifiers: MedGen C0037772, HP:0001258.
Hereditary spastic paraplegia 56. Also called: Spastic Paraplegia 56; SPASTIC PARAPLEGIA 56, AUTOSOMAL RECESSIVE, WITH OR WITHOUT PSEUDOXANTHOMA ELASTICUM; Spastic paraplegia 56, autosomal recessive. Identifiers: Orphanet 320411, MedGen C3539507, MONDO:0014015, OMIM 615030.

Allele frequency attached by ClinVar (database versions not stated): TOPMed 0.00002; 1000 Genomes Project 30x 0.00016.
gnomAD v4.1: 16 of 1,614,130 alleles (0.00099%); highest among the groups gnomAD compares: African/African-American, 0.004%; no homozygotes.

Submissions (6):

Genomic Medicine Center of Excellence, King Faisal Specialist Hospital and Research Centre
Classification: Likely pathogenic for Hereditary spastic paraplegia 56. Last evaluated: 2025-09-10. Review status: criteria provided, single submitter. Criteria: ACMG Guidelines, 2015. Collection method: clinical testing. Allele origin: germline.

University of Science and Technology Houari Boumediene, Laboratory of Molecular and Cellular Biology (LBCM)
Classification: Pathogenic for Hereditary spastic paraplegia 56. Last evaluated: 2024-04-23. Review status: criteria provided, single submitter. Criteria: ACMG Guidelines, 2015. Collection method: research. Allele origin: biparental. Inheritance: Autosomal recessive inheritance. Affected: yes. Observed: 3 variant alleles, 3 homozygotes. Clinical features observed: Spastic tetraparesis (HP:0001285), Mild intellectual disability (HP:0001256), Intracranial calcification (HP:0430048), Hyperintensity of cerebral white matter on MRI (HP:0030890).
Comment: This variant is classified as pathogenic because it is a stop-gain variant identified in the homozygote state in three patients. In silico prediction tools, including CADD and MutationTaster, predict this variant to be disease-causing. ClinVar contains an entry for this variant (Variation ID: 562229), it’s classified as pathogenic. This variant is not reported in the 1000 Genomes Project but is present at a low frequency in the gnomAD database [AF = 1.219e-5]. It is associated with the following publication (PMID: 26914923, 30564185, 34546337, 34828401).

Labcorp Genetics (formerly Invitae), Labcorp
Classification: Pathogenic for Spastic paraplegia. Last evaluated: 2022-10-17. Review status: criteria provided, single submitter. Criteria: Invitae Variant Classification Sherloc (09022015). Collection method: clinical testing. Allele origin: germline.
Comment: For these reasons, this variant has been classified as Pathogenic. ClinVar contains an entry for this variant (Variation ID: 562229). This premature translational stop signal has been observed in individual(s) with clinical features of hereditary spastic paraplegia (PMID: 26914923). This variant is present in population databases (rs772400670, gnomAD 0.007%). This sequence change creates a premature translational stop signal (p.Arg390*) in the CYP2U1 gene. It is expected to result in an absent or disrupted protein product. Loss-of-function variants in CYP2U1 are known to be pathogenic (PMID: 23176821, 26936192, 27292318).

Laboratorio de Genetica e Diagnostico Molecular, Hospital Israelita Albert Einstein
Classification: Pathogenic. Last evaluated: 2019-11-29. Review status: criteria provided, single submitter. Criteria: ACMG Guidelines, 2015. Collection method: clinical testing. Allele origin: germline. Affected: yes.
Comment: ACMG classification criteria: PVS1, PM2, PP5

Ophthalmo-Genetics Lab, Instituto de Oftalmologia Conde de Valenciana
Classification: Pathogenic for Hereditary spastic paraplegia 56. Last evaluated: 2022-04-21. Review status: no assertion criteria provided. Collection method: research. Allele origin: biparental. Inheritance: Autosomal recessive inheritance. Affected: yes. Observed: 1 homozygote. Not counted in ClinVar's aggregate classification.
Comment: MACULAR DISEASE

IRCCS Fondazione Stella Maris, University of Pisa
Classification: Pathogenic for Hereditary spastic paraplegia 56. Review status: no assertion criteria provided. Criteria: ACMG Guidelines, 2015. Collection method: research. Allele origin: unknown. Inheritance: Autosomal recessive inheritance. Affected: yes. Not counted in ClinVar's aggregate classification.

Literature cited by the submitters: PubMed 26914923 (cited by Labcorp Genetics (formerly Invitae), Labcorp and IRCCS Fondazione Stella Maris, University of Pisa); PubMed 23176821 (cited by Labcorp Genetics (formerly Invitae), Labcorp); PubMed 26936192 (cited by Labcorp Genetics (formerly Invitae), Labcorp); PubMed 27292318 (cited by Labcorp Genetics (formerly Invitae), Labcorp); PubMed 615030 (cited by Ophthalmo-Genetics Lab, Instituto de Oftalmologia Conde de Valenciana).